The following is an entry in ClinVar:

NM_001369268.1(ACAN):c.1343C>T (p.Pro448Leu)

Gene: ACAN (aggrecan; plus strand). Cytogenetic location: 15q26.1.
Variant type: single nucleotide variant.
Coding change: c.1343C>T on transcript NM_001369268.1 (MANE Select); coding-DNA position 1343, C replaced by T.
Protein change: p.Pro448Leu; replaces proline 448 with leucine.
Molecular consequence: missense variant.
Genome position (GRCh38, 1-based): chr15:88,845,796, C>T. VCF-style: chr15-88845796-C-T. GRCh37 (hg19) VCF-style: chr15-89389027-C-T.
Other names: c.1343C>T, p.Pro448Leu (NM_001135.4, NM_001411096.1, NM_001411097.1 and 1 more transcripts); short protein forms P448L.
Identifiers: ClinVar variation 4778539 (VCV004778539.1).
Genomic context (GRCh38, chr15:88,845,796, plus strand): 5'-CCTTCGCTGAGGTTGAGAATGAGACTGGAGAGGCCACCAGGCCCTGGGGCTTTCCCACAC[C>T]TGGCCTGGGCCCTGCCACGGCATTCACCAGTGAGGACCTCGTCGTGCAGGTGACCGCTGT-3'
Protein context (NP_001356197.1, residues 438-458): EATRPWGFPT[Pro448Leu]GLGPATAFTS

ClinVar aggregate classification (germline): Uncertain significance (1 of 4 stars; one submission).

Submission:

Labcorp Genetics (formerly Invitae), Labcorp
Classification: Uncertain significance. Last evaluated: 2025-12-30. Review status: criteria provided, single submitter. Criteria: Invitae Variant Classification Sherloc (09022015). Collection method: clinical testing. Allele origin: germline.
Comment: This sequence change replaces proline, which is neutral and non-polar, with leucine, which is neutral and non-polar, at codon 448 of the ACAN protein (p.Pro448Leu). This variant is not present in population databases (gnomAD no frequency). This variant has not been reported in the literature in individuals affected with ACAN-related conditions. Invitae Evidence Modeling of protein sequence and biophysical properties (such as structural, functional, and spatial information, amino acid conservation, physicochemical variation, residue mobility, and thermodynamic stability) indicates that this missense variant is not expected to disrupt ACAN protein function with a negative predictive value of 80%. In summary, the available evidence is currently insufficient to determine the role of this variant in disease. Therefore, it has been classified as a Variant of Uncertain Significance.